The following is an entry in ClinVar:

ClinVar aggregate classification (germline): Uncertain significance. Review status: criteria provided, multiple submitters, no conflicts (2 of 4 stars). 3 submissions from 3 submitters: Uncertain significance (3). Last evaluated 2025-09-30.

Conditions:
Hereditary cancer-predisposing syndrome. Also called: Hereditary neoplastic syndrome; Hereditary Cancer Syndrome; Neoplastic Syndromes, Hereditary; Tumor predisposition. Identifiers: Orphanet 140162, MedGen C0027672, MeSH D009386, MONDO:0015356.
Familial adenomatous polyposis 1 (FAP1). Also called: FAMILIAL ADENOMATOUS POLYPOSIS 1, ATTENUATED; POLYPOSIS, ADENOMATOUS INTESTINAL. Identifiers: MedGen C2713442, MONDO:0021056, OMIM 175100. Disease mechanism: loss of function.

Allele frequency attached by ClinVar (database versions not stated): gnomAD exomes below 0.00001.
gnomAD v4.1: 1 of 1,613,940 alleles (0.000062%); highest among the groups gnomAD compares: Non-Finnish European, 0.000085%; no homozygotes.

Submissions (3):

Color Diagnostics, LLC DBA Color Health
Classification: Uncertain significance for Hereditary cancer-predisposing syndrome. Last evaluated: 2025-09-30. Review status: criteria provided, single submitter. Criteria: ACMG Guidelines, 2015. Collection method: clinical testing. Allele origin: germline.
Comment: This missense variant replaces arginine with lysine at codon 690 of the APC protein. Computational prediction suggests that this variant may not impact protein structure and function. APC is defined as a gene for which primarily truncating variants are known to cause disease (ClinGen HCCP VCEP). To our knowledge, functional studies have not been reported for this variant. This variant has not been reported in individuals affected with APC-related disorders in the literature. This variant has been identified in 1/1461654 chromosomes in the general population by the Genome Aggregation Database (gnomAD). The available evidence is insufficient to determine the role of this variant in disease conclusively. Therefore, this variant is classified as a Variant of Uncertain Significance.

Labcorp Genetics (formerly Invitae), Labcorp
Classification: Uncertain significance for Familial adenomatous polyposis 1. Last evaluated: 2024-11-11. Review status: criteria provided, single submitter. Criteria: Invitae Variant Classification Sherloc (09022015). Collection method: clinical testing. Allele origin: germline.
Comment: This sequence change replaces arginine, which is basic and polar, with lysine, which is basic and polar, at codon 690 of the APC protein (p.Arg690Lys). This variant is not present in population databases (gnomAD no frequency). This variant has not been reported in the literature in individuals affected with APC-related conditions. ClinVar contains an entry for this variant (Variation ID: 236570). Invitae Evidence Modeling of protein sequence and biophysical properties (such as structural, functional, and spatial information, amino acid conservation, physicochemical variation, residue mobility, and thermodynamic stability) indicates that this missense variant is not expected to disrupt APC protein function with a negative predictive value of 95%. In summary, the available evidence is currently insufficient to determine the role of this variant in disease. Therefore, it has been classified as a Variant of Uncertain Significance.

Ambry Genetics
Classification: Uncertain significance for Hereditary cancer-predisposing syndrome. Last evaluated: 2021-12-23. Review status: criteria provided, single submitter. Criteria: Ambry Variant Classification Scheme 2023. Collection method: clinical testing. Allele origin: germline.
Comment: The p.R690K variant (also known as c.2069G>A), located in coding exon 15 of the APC gene, results from a G to A substitution at nucleotide position 2069. The arginine at codon 690 is replaced by lysine, an amino acid with highly similar properties. This amino acid position is highly conserved in available vertebrate species. In addition, in silico predictors for this gene do not accurately predict pathogenicity. Since supporting evidence is limited at this time, the clinical significance of this alteration remains unclear.

NM_000038.6(APC):c.2069G>A (p.Arg690Lys)

Gene: APC (APC regulator of Wnt signaling pathway; plus strand). Cytogenetic location: 5q22.2.
Variant type: single nucleotide variant.
Coding change: c.2069G>A on transcript NM_000038.6 (MANE Select); coding-DNA position 2069, G replaced by A.
Protein change: p.Arg690Lys; replaces arginine 690 with lysine.
Molecular consequence: missense variant.
Genome position (GRCh38, 1-based): chr5:112,837,663, G>A. VCF-style: chr5-112837663-G-A. GRCh37 (hg19) VCF-style: chr5-112173360-G-A.
Other names: c.2069G>A, p.Arg690Lys (NM_001127510.3, NM_001354895.2); c.2015G>A, p.Arg672Lys (NM_001127511.3); c.2123G>A, p.Arg708Lys (NM_001354896.2); c.2099G>A, p.Arg700Lys (NM_001354897.2); c.1994G>A, p.Arg665Lys (NM_001354898.2); c.1985G>A, p.Arg662Lys (NM_001354899.2); c.1946G>A, p.Arg649Lys (NM_001354900.2); c.1892G>A, p.Arg631Lys (NM_001354901.2); and 5 more; short protein forms R672K, R690K, R599K, R631K, R665K, R708K, R407K, R589K.
Identifiers: ClinVar variation 236570 (VCV000236570.13), dbSNP rs878853423, ClinGen allele CA10582293.